The following is an entry in ClinVar:

ClinVar aggregate classification (germline): Pathogenic (1 of 4 stars; one submission).

Submission:

GeneDx
Classification: Pathogenic. Last evaluated: 2017-11-08. Review status: criteria provided, single submitter. Criteria: GeneDx Variant Classification (06012015). Collection method: clinical testing. Allele origin: germline. Affected: yes.
Comment: The c.478_502dup25 variant in the TRPS1 gene has not been reported previously as a pathogenic variant nor as a benign variant, to our knowledge. The c.478_502dup25 variant causes a frameshift starting with codon Lysine 168, changes this amino acid to a Isoleucine residue, and creates a premature Stop codon at position 53 of the new reading frame, denoted p.Lys168IlefsX53. This variant is predicted to cause loss of normal protein function either through protein truncation or nonsense-mediated mRNA decay. The c.478_502dup25 variant is not observed in large population cohorts (Lek et al., 2016). We interpret c.478_502dup25 as a pathogenic variant.

NM_014112.5(TRPS1):c.478_502dup (p.Lys168fs)

Gene: TRPS1 (transcriptional repressor GATA binding 1; minus strand). Cytogenetic location: 8q23.3.
Variant type: Duplication.
Coding change: c.478_502dup on transcript NM_014112.5 (MANE Select); coding-DNA positions 478 to 502, 25 bases duplicated (TCACTGGAGACAAAGGAAGATCAGA).
Protein change: p.Lys168fs; shifts the reading frame from lysine 168.
Molecular consequence: frameshift variant.
Genome position (GRCh38, 1-based): chr8:115,619,596-115,619,620, TCTGATCTTCCTTTGTCTCCAGTGA duplicated on the plus strand (TCACTGGAGACAAAGGAAGATCAGA on the coding strand, the reverse complement: TRPS1 is on the minus strand). VCF-style (leftmost placement, unchanged base first): chr8-115619595-T-TTCTGATCTTCCTTTGTCTCCAGTGA. GRCh37 (hg19) VCF-style: chr8-116631822-T-TTCTGATCTTCCTTTGTCTCCAGTGA.
Other names: c.451_475dup, p.Lys159fs (NM_001282902.3); c.457_481dup, p.Lys161fs (NM_001282903.3); c.439_463dup, p.Lys155fs (NM_001330599.2); short protein forms K155fs, K161fs, K168fs, K159fs.
Identifiers: ClinVar variation 503818 (VCV000503818.2), dbSNP rs1554598994, ClinGen allele CA658797135.